The following is an entry in ClinVar:

ClinVar aggregate classification (germline): Uncertain significance. Review status: criteria provided, multiple submitters, no conflicts (2 of 4 stars). 2 submissions from 2 submitters: Uncertain significance (2). Last evaluated 2023-10-21.

Conditions:
DICER1-related tumor predisposition. Also called: DICER1 syndrome; DICER1-related pleuropulmonary blastoma cancer predisposition syndrome. Identifiers: Orphanet 284343, MedGen C3839822, MONDO:0100216.
Hereditary cancer-predisposing syndrome. Also called: Hereditary Cancer Syndrome; Tumor predisposition; Neoplastic Syndromes, Hereditary; Hereditary neoplastic syndrome. Identifiers: Orphanet 140162, MedGen C0027672, MeSH D009386, MONDO:0015356.

Allele frequency attached by ClinVar (database versions not stated): TOPMed below 0.00001.

Submissions (2):

Ambry Genetics
Classification: Uncertain significance for Hereditary cancer-predisposing syndrome. Last evaluated: 2023-10-21. Review status: criteria provided, single submitter. Criteria: Ambry Variant Classification Scheme 2023. Collection method: clinical testing. Allele origin: germline.
Comment: The p.D765H variant (also known as c.2293G>C), located in coding exon 14 of the DICER1 gene, results from a G to C substitution at nucleotide position 2293. The aspartic acid at codon 765 is replaced by histidine, an amino acid with similar properties. This amino acid position is conserved. In addition, this alteration is predicted to be tolerated by in silico analysis. Since supporting evidence is limited at this time, the clinical significance of this alteration remains unclear.

Labcorp Genetics (formerly Invitae), Labcorp
Classification: Uncertain significance for DICER1-related tumor predisposition. Last evaluated: 2022-02-21. Review status: criteria provided, single submitter. Criteria: Invitae Variant Classification Sherloc (09022015). Collection method: clinical testing. Allele origin: germline.
Comment: This sequence change replaces aspartic acid, which is acidic and polar, with histidine, which is basic and polar, at codon 765 of the DICER1 protein (p.Asp765His). This variant is not present in population databases (gnomAD no frequency). In summary, the available evidence is currently insufficient to determine the role of this variant in disease. Therefore, it has been classified as a Variant of Uncertain Significance. Algorithms developed to predict the effect of missense changes on protein structure and function are either unavailable or do not agree on the potential impact of this missense change (SIFT: "Tolerated"; PolyPhen-2: "Possibly Damaging"; Align-GVGD: "Class C0"). This variant has not been reported in the literature in individuals affected with DICER1-related conditions.

NM_177438.3(DICER1):c.2293G>C (p.Asp765His)

Gene: DICER1 (dicer 1, ribonuclease III; minus strand). Cytogenetic location: 14q32.13.
Variant type: single nucleotide variant.
Coding change: c.2293G>C on transcript NM_177438.3 (MANE Select); coding-DNA position 2293, G replaced by C.
Protein change: p.Asp765His; replaces aspartic acid 765 with histidine.
Molecular consequence: missense variant. On other transcripts: non-coding transcript variant (6).
Genome position (GRCh38, 1-based): chr14:95,108,467, C>G on the plus strand (G>C on the coding strand, the complement: DICER1 is on the minus strand). VCF-style: chr14-95108467-C-G. GRCh37 (hg19) VCF-style: chr14-95574804-C-G.
Other names: c.2293G>C, p.Asp765His (NM_001395695.1, NM_030621.4, NM_001195573.1 and 13 more transcripts); c.1888G>C, p.Asp630His (NM_001395696.1, NM_001395687.1, NM_001395688.1 and 2 more transcripts); c.610G>C, p.Asp204His (NM_001395697.1); c.2011G>C, p.Asp671His (NM_001395686.1); c.1726G>C, p.Asp576His (NM_001395691.1); short protein forms D576H, D765H, D204H, D630H, D671H.
Identifiers: ClinVar variation 2101137 (VCV002101137.5), dbSNP rs1595382448, ClinGen allele CA390882360.